The following is an entry in ClinVar:

NM_000642.3(AGL):c.2220T>A (p.His740Gln)

Gene: AGL (amylo-alpha-1,6-glucosidase and 4-alpha-glucanotransferase; plus strand). Cytogenetic location: 1p21.2.
Variant type: single nucleotide variant.
Coding change: c.2220T>A on transcript NM_000642.3 (MANE Select); coding-DNA position 2220, T replaced by A.
Protein change: p.His740Gln; replaces histidine 740 with glutamine.
Molecular consequence: missense variant.
Genome position (GRCh38, 1-based): chr1:99,881,603, T>A. VCF-style: chr1-99881603-T-A. GRCh37 (hg19) VCF-style: chr1-100347159-T-A.
Other names: c.2220T>A, p.His740Gln (NM_000028.3, NM_000643.3, NM_000644.3 and 2 more transcripts); c.2172T>A, p.His724Gln (NM_000646.3); c.2019T>A, p.His673Gln (NM_001425327.1); c.2016T>A, p.His672Gln (NM_001425328.1, NM_001425329.1); c.1842T>A, p.His614Gln (NM_001425332.1); short protein forms H724Q, H740Q, H614Q, H672Q, H673Q.
Identifiers: ClinVar variation 1427900 (VCV001427900.6), dbSNP rs767062664, ClinGen allele CA966719.

ClinVar aggregate classification (germline): Uncertain significance. Review status: criteria provided, multiple submitters, no conflicts (2 of 4 stars). 2 submissions from 2 submitters: Uncertain significance (2). Last evaluated 2024-06-28.

Conditions:
Glycogen storage disease type III (GSD3). Also called: Cori disease; FORBES DISEASE. Identifiers: Orphanet 366, MedGen C0017922, MONDO:0009291, OMIM 232400.

Allele frequency attached by ClinVar (database versions not stated): gnomAD 0.00001; TOPMed 0.00001; gnomAD exomes 0.00002 and 0.00005; ExAC 0.00009.
gnomAD v4.1: 36 of 1,613,964 alleles (0.0022%); highest among the groups gnomAD compares: Non-Finnish European, 0.0031%; no homozygotes.

Submissions (2):

Blueprint Genetics
Classification: Uncertain significance. Last evaluated: 2024-06-28. Review status: criteria provided, single submitter. Criteria: ACMG Guidelines, 2015. Collection method: clinical testing. Allele origin: germline.

Labcorp Genetics (formerly Invitae), Labcorp
Classification: Uncertain significance for Glycogen storage disease type III. Last evaluated: 2021-08-31. Review status: criteria provided, single submitter. Criteria: Invitae Variant Classification Sherloc (09022015). Collection method: clinical testing. Allele origin: germline.
Comment: This sequence change replaces histidine with glutamine at codon 740 of the AGL protein (p.His740Gln). The histidine residue is moderately conserved and there is a small physicochemical difference between histidine and glutamine. This variant is present in population databases (rs767062664, ExAC 0.02%). This variant has not been reported in the literature in individuals affected with AGL-related conditions. Algorithms developed to predict the effect of missense changes on protein structure and function are either unavailable or do not agree on the potential impact of this missense change (SIFT: "Tolerated"; PolyPhen-2: "Probably Damaging"; Align-GVGD: "Class C0"). In summary, the available evidence is currently insufficient to determine the role of this variant in disease. Therefore, it has been classified as a Variant of Uncertain Significance.